The following is an entry in ClinVar:

ClinVar aggregate classification (germline): Uncertain significance. Review status: criteria provided, multiple submitters, no conflicts (2 of 4 stars). 2 submissions from 2 submitters: Uncertain significance (2). Last evaluated 2024-09-05.

Conditions:
Epilepsy, X-linked 1, with variable learning disabilities and behavior disorders. Also called: X-linked epilepsy-learning disabilities-behavior disorders syndrome. Identifiers: Orphanet 85294, MedGen C5774177, MONDO:0010339, OMIM 300491.

Submissions (2):

GeneDx
Classification: Uncertain significance. Last evaluated: 2024-09-05. Review status: criteria provided, single submitter. Criteria: GeneDx Variant Classification Process June 2021. Collection method: clinical testing. Allele origin: germline. Affected: yes.
Comment: Not observed at significant frequency in large population cohorts (gnomAD); In silico analysis supports that this missense variant has a deleterious effect on protein structure/function; Has not been previously published as pathogenic or benign to our knowledge

Labcorp Genetics (formerly Invitae), Labcorp
Classification: Uncertain significance for Epilepsy, X-linked 1, with variable learning disabilities and behavior disorders. Last evaluated: 2022-09-23. Review status: criteria provided, single submitter. Criteria: Invitae Variant Classification Sherloc (09022015). Collection method: clinical testing. Allele origin: germline.
Comment: In summary, the available evidence is currently insufficient to determine the role of this variant in disease. Therefore, it has been classified as a Variant of Uncertain Significance. This sequence change replaces tyrosine, which is neutral and polar, with histidine, which is basic and polar, at codon 207 of the SYN1 protein (p.Tyr207His). This variant is not present in population databases (gnomAD no frequency). This variant has not been reported in the literature in individuals affected with SYN1-related conditions. Algorithms developed to predict the effect of missense changes on protein structure and function (SIFT, PolyPhen-2, Align-GVGD) all suggest that this variant is likely to be disruptive.

NM_006950.3(SYN1):c.619T>C (p.Tyr207His)

Gene: SYN1 (synapsin I; minus strand). Cytogenetic location: Xp11.23.
Variant type: single nucleotide variant.
Coding change: c.619T>C on transcript NM_006950.3 (MANE Select); coding-DNA position 619, T replaced by C.
Protein change: p.Tyr207His; replaces tyrosine 207 with histidine.
Molecular consequence: missense variant.
Genome position (GRCh38, 1-based): chrX:47,605,288, A>G on the plus strand (T>C on the coding strand, the complement: SYN1 is on the minus strand). VCF-style: chrX-47605288-A-G. GRCh37 (hg19) VCF-style: chrX-47464687-A-G.
Other names: c.619T>C, p.Tyr207His (NM_133499.2); short protein forms Y207H.
Identifiers: ClinVar variation 1720202 (VCV001720202.7), dbSNP rs2519705422, ClinGen allele CA412824621.